The following is an entry in ClinVar:

ClinVar aggregate classification (germline): Conflicting classifications of pathogenicity. Review status: criteria provided, conflicting classifications (1 of 4 stars). 4 submissions from 4 submitters: Uncertain significance (3); Likely benign (1). Last evaluated 2024-06-11.

Conditions:
Cardiovascular phenotype. Identifiers: MedGen CN230736.
Cardiomyopathy (CMYO). Also called: Cardiomyopathies. Identifiers: Orphanet 167848, MedGen C0878544, MONDO:0004994, HP:0001638. Inheritance: Various modes of inheritance.
Hypertrophic cardiomyopathy. Also called: HYPERTROPHIC MYOCARDIOPATHY. Identifiers: Orphanet 217569, MedGen C0007194, MeSH D002312, MONDO:0005045, HP:0001639.

gnomAD v4.1: 7 of 1,612,802 alleles (0.00043%); highest among the groups gnomAD compares: Non-Finnish European, 0.000085%; no homozygotes.

Submissions (4):

Ambry Genetics
Classification: Likely benign for Cardiovascular phenotype. Last evaluated: 2024-06-11. Review status: criteria provided, single submitter. Criteria: Ambry Variant Classification Scheme 2023. Collection method: clinical testing. Allele origin: germline.

Labcorp Genetics (formerly Invitae), Labcorp
Classification: Uncertain significance for Hypertrophic cardiomyopathy. Last evaluated: 2024-05-19. Review status: criteria provided, single submitter. Criteria: Invitae Variant Classification Sherloc (09022015). Collection method: clinical testing. Allele origin: germline.
Comment: This sequence change replaces alanine, which is neutral and non-polar, with serine, which is neutral and polar, at codon 1834 of the MYH7 protein (p.Ala1834Ser). This variant is present in population databases (rs143362532, gnomAD 0.02%). This variant has not been reported in the literature in individuals affected with MYH7-related conditions. ClinVar contains an entry for this variant (Variation ID: 388852). Advanced modeling of protein sequence and biophysical properties (such as structural, functional, and spatial information, amino acid conservation, physicochemical variation, residue mobility, and thermodynamic stability) performed at Invitae indicates that this missense variant is not expected to disrupt MYH7 protein function with a negative predictive value of 95%. In summary, the available evidence is currently insufficient to determine the role of this variant in disease. Therefore, it has been classified as a Variant of Uncertain Significance.

Color Diagnostics, LLC DBA Color Health
Classification: Uncertain significance for Cardiomyopathy. Last evaluated: 2024-01-22. Review status: criteria provided, single submitter. Criteria: ACMG Guidelines, 2015. Collection method: clinical testing. Allele origin: germline.
Comment: This missense variant replaces alanine with serine at codon 1834 of the MYH7 protein. Computational prediction tools indicate that this variant has a neutral impact on protein structure and function. To our knowledge, functional studies have not been reported for this variant. This variant has not been reported in individuals affected with MYH7-related disorders in the literature. This variant has been identified in 3/250566 chromosomes in the general population by the Genome Aggregation Database (gnomAD). The available evidence is insufficient to determine the role of this variant in disease conclusively. Therefore, this variant is classified as a Variant of Uncertain Significance.

GeneDx
Classification: Uncertain significance. Last evaluated: 2018-11-29. Review status: criteria provided, single submitter. Criteria: GeneDx Variant Classification (06012015). Collection method: clinical testing. Allele origin: germline. Affected: yes.
Comment: The A1834S variant of uncertain significance in the MYH7 gene has not been published as a pathogenic or been reported as a benign variant to our knowledge. This variant is not observed at a significant frequency in large population cohorts (Lek et al., 2016; Exome Variant Server). The A1834S variant is a non-conservative amino acid substitution, which is likely to impact secondary protein structure as these residues differ in polarity, charge, size and/or other properties. Nevertheless, this substitution occurs at a position not conserved, and serine is the wild typein three species. Finally, in silico analysis suggests that this variant likely does not alter the proteinstructure/function.

NM_000257.4(MYH7):c.5500G>T (p.Ala1834Ser)

Gene: MYH7 (myosin heavy chain 7; minus strand). Cytogenetic location: 14q11.2.
Variant type: single nucleotide variant.
Coding change: c.5500G>T on transcript NM_000257.4 (MANE Select); coding-DNA position 5500, G replaced by T.
Protein change: p.Ala1834Ser; replaces alanine 1834 with serine.
Molecular consequence: missense variant.
Genome position (GRCh38, 1-based): chr14:23,415,054, C>A on the plus strand (G>T on the coding strand, the complement: MYH7 is on the minus strand). VCF-style: chr14-23415054-C-A. GRCh37 (hg19) VCF-style: chr14-23884263-C-A.
Other names: c.5500G>T (LRG_384t1); short protein forms A1834S.
Identifiers: ClinVar variation 388852 (VCV000388852.10), dbSNP rs143362532, ClinGen allele CA047025.